The following is an entry in ClinVar:

ClinVar aggregate classification (germline): Uncertain significance. Review status: criteria provided, multiple submitters, no conflicts (2 of 4 stars). 2 submissions from 2 submitters: Uncertain significance (2). Last evaluated 2025-03-19.

Conditions:
Hereditary cancer-predisposing syndrome. Also called: Tumor predisposition; Hereditary neoplastic syndrome; Neoplastic Syndromes, Hereditary; Hereditary Cancer Syndrome. Identifiers: Orphanet 140162, MedGen C0027672, MeSH D009386, MONDO:0015356.
Familial cancer of breast. Also called: BREAST CANCER, FAMILIAL; Hereditary breast cancer; hereditary breast carcinoma. Identifiers: Orphanet 227535, MedGen C0346153, MONDO:0016419, OMIM 114480. Disease mechanism: loss of function.
Fanconi anemia complementation group J. Also called: BRIP1-Related Fanconi Anemia. Identifiers: Orphanet 84, MedGen C1836860, MONDO:0012187, OMIM 609054.

Submissions (2):

Ambry Genetics
Classification: Uncertain significance for Hereditary cancer-predisposing syndrome. Last evaluated: 2025-03-19. Review status: criteria provided, single submitter. Criteria: Ambry Variant Classification Scheme 2023. Collection method: clinical testing. Allele origin: germline.
Comment: The p.D744H variant (also known as c.2230G>C), located in coding exon 14 of the BRIP1 gene, results from a G to C substitution at nucleotide position 2230. The aspartic acid at codon 744 is replaced by histidine, an amino acid with similar properties. This amino acid position is conserved. In addition, the in silico prediction for this alteration is inconclusive. Based on the available evidence, the clinical significance of this variant remains unclear.

Labcorp Genetics (formerly Invitae), Labcorp
Classification: Uncertain significance for Familial cancer of breast; Fanconi anemia complementation group J. Last evaluated: 2022-08-16. Review status: criteria provided, single submitter. Criteria: Invitae Variant Classification Sherloc (09022015). Collection method: clinical testing. Allele origin: germline.
Comment: In summary, the available evidence is currently insufficient to determine the role of this variant in disease. Therefore, it has been classified as a Variant of Uncertain Significance. Algorithms developed to predict the effect of missense changes on protein structure and function are either unavailable or do not agree on the potential impact of this missense change (SIFT: "Deleterious"; PolyPhen-2: "Probably Damaging"; Align-GVGD: "Class C0"). ClinVar contains an entry for this variant (Variation ID: 1384685). This variant has not been reported in the literature in individuals affected with BRIP1-related conditions. This variant is not present in population databases (gnomAD no frequency). This sequence change replaces aspartic acid, which is acidic and polar, with histidine, which is basic and polar, at codon 744 of the BRIP1 protein (p.Asp744His).

NM_032043.3(BRIP1):c.2230G>C (p.Asp744His)

Gene: BRIP1 (BRCA1 interacting DNA helicase 1; minus strand). Cytogenetic location: 17q23.2.
Variant type: single nucleotide variant.
Coding change: c.2230G>C on transcript NM_032043.3 (MANE Select); coding-DNA position 2230, G replaced by C.
Protein change: p.Asp744His; replaces aspartic acid 744 with histidine.
Molecular consequence: missense variant.
Genome position (GRCh38, 1-based): chr17:61,744,459, C>G on the plus strand (G>C on the coding strand, the complement: BRIP1 is on the minus strand). VCF-style: chr17-61744459-C-G. GRCh37 (hg19) VCF-style: chr17-59821820-C-G.
Other names: c.2230G>C (NM_032043.2); short protein forms D744H.
Identifiers: ClinVar variation 1384685 (VCV001384685.10), dbSNP rs2144695830, ClinGen allele CA400482904.